The following is an entry in ClinVar:

ClinVar aggregate classification (germline): Uncertain significance (1 of 4 stars; one submission).

Allele frequency attached by ClinVar (database versions not stated): gnomAD exomes below 0.00001.
gnomAD v4.1: 5 of 1,599,890 alleles (0.00031%); highest among the groups gnomAD compares: Admixed American, 0.0017%; no homozygotes.

Submission:

Labcorp Genetics (formerly Invitae), Labcorp
Classification: Uncertain significance. Last evaluated: 2024-10-07. Review status: criteria provided, single submitter. Criteria: Invitae Variant Classification Sherloc (09022015). Collection method: clinical testing. Allele origin: germline.
Comment: This sequence change replaces histidine, which is basic and polar, with arginine, which is basic and polar, at codon 770 of the INTU protein (p.His770Arg). The frequency data for this variant in the population databases is considered unreliable, as metrics indicate poor data quality at this position in the gnomAD database. This variant has not been reported in the literature in individuals affected with INTU-related conditions. ClinVar contains an entry for this variant (Variation ID: 1928945). Invitae Evidence Modeling of protein sequence and biophysical properties (such as structural, functional, and spatial information, amino acid conservation, physicochemical variation, residue mobility, and thermodynamic stability) indicates that this missense variant is not expected to disrupt INTU protein function with a negative predictive value of 80%. In summary, the available evidence is currently insufficient to determine the role of this variant in disease. Therefore, it has been classified as a Variant of Uncertain Significance.

NM_015693.4(INTU):c.2309A>G (p.His770Arg)

Genes: INTU (inturned planar cell polarity protein; plus strand), LOC123480930 (P300/CBP strongly-dependent group 1 enhancer GRCh37_chr4:128629462-128630661; plus strand). Cytogenetic location: 4q28.1.
Variant type: single nucleotide variant.
Coding change: c.2309A>G on transcript NM_015693.4 (MANE Select); coding-DNA position 2309, A replaced by G.
Protein change: p.His770Arg; replaces histidine 770 with arginine.
Molecular consequence: missense variant.
Genome position (GRCh38, 1-based): chr4:127,708,608, A>G. VCF-style: chr4-127708608-A-G. GRCh37 (hg19) VCF-style: chr4-128629763-A-G.
Other names: short protein forms H770R.
Identifiers: ClinVar variation 1928945 (VCV001928945.5), dbSNP rs1044631827, ClinGen allele CA105641358.